The following is an entry in ClinVar:

ClinVar aggregate classification (germline): Uncertain significance (1 of 4 stars; one submission).

Submission:

Labcorp Genetics (formerly Invitae), Labcorp
Classification: Uncertain significance. Last evaluated: 2023-05-30. Review status: criteria provided, single submitter. Criteria: Invitae Variant Classification Sherloc (09022015). Collection method: clinical testing. Allele origin: germline.
Comment: In summary, the available evidence is currently insufficient to determine the role of this variant in disease. Therefore, it has been classified as a Variant of Uncertain Significance. Advanced modeling of protein sequence and biophysical properties (such as structural, functional, and spatial information, amino acid conservation, physicochemical variation, residue mobility, and thermodynamic stability) performed at Invitae indicates that this missense variant is not expected to disrupt VPS13D protein function. This variant has not been reported in the literature in individuals affected with VPS13D-related conditions. This variant is not present in population databases (gnomAD no frequency). This sequence change replaces asparagine, which is neutral and polar, with lysine, which is basic and polar, at codon 2927 of the VPS13D protein (p.Asn2927Lys).

NM_015378.4(VPS13D):c.8781C>A (p.Asn2927Lys)

Gene: VPS13D (vacuolar protein sorting 13 homolog D; plus strand). Cytogenetic location: 1p36.22.
Variant type: single nucleotide variant.
Coding change: c.8781C>A on transcript NM_015378.4 (MANE Select); coding-DNA position 8781, C replaced by A.
Protein change: p.Asn2927Lys; replaces asparagine 2927 with lysine.
Molecular consequence: missense variant.
Genome position (GRCh38, 1-based): chr1:12,342,947, C>A. VCF-style: chr1-12342947-C-A. GRCh37 (hg19) VCF-style: chr1-12403004-C-A.
Other names: c.8706C>A, p.Asn2902Lys (NM_018156.4); short protein forms N2927K, N2902K.
Identifiers: ClinVar variation 2792537 (VCV002792537.3), dbSNP rs564394555, ClinGen allele CA603249.